The following is an entry in ClinVar:

ClinVar aggregate classification (germline): Likely benign. Review status: criteria provided, multiple submitters, no conflicts (2 of 4 stars). 2 submissions from 2 submitters: Likely benign (2). Last evaluated 2024-05-01.

Allele frequency attached by ClinVar (database versions not stated): gnomAD 0.00001 and 0.00002; gnomAD exomes 0.00001 and 0.00004; TOPMed 0.00001; ExAC 0.00005; ESP Exome Variant Server 0.00008.
gnomAD v4.1: 25 of 1,614,026 alleles (0.0015%); highest among the groups gnomAD compares: East Asian, 0.02%; no homozygotes.

Submissions (2):

CeGaT Center for Human Genetics Tuebingen
Classification: Likely benign. Last evaluated: 2024-05-01. Review status: criteria provided, single submitter. Criteria: CeGaT Center For Human Genetics Tuebingen Variant Classification Criteria Version 2. Collection method: clinical testing. Allele origin: germline. Affected: yes. Observed: 1 variant allele.
Comment: TRIO: BP4, BP7

Labcorp Genetics (formerly Invitae), Labcorp
Classification: Likely benign. Last evaluated: 2018-05-30. Review status: criteria provided, single submitter. Criteria: Invitae Variant Classification Sherloc (09022015). Collection method: clinical testing. Allele origin: germline.

NM_007118.4(TRIO):c.3108A>G (p.Arg1036=)

Gene: TRIO (trio Rho guanine nucleotide exchange factor; plus strand). Cytogenetic location: 5p15.2.
Variant type: single nucleotide variant.
Coding change: c.3108A>G on transcript NM_007118.4 (MANE Select); coding-DNA position 3108, A replaced by G.
Protein change: p.Arg1036=; no amino-acid change (arginine 1036 retained).
Molecular consequence: synonymous variant. On other transcripts: non-coding transcript variant (1).
Genome position (GRCh38, 1-based): chr5:14,369,415, A>G. VCF-style: chr5-14369415-A-G. GRCh37 (hg19) VCF-style: chr5-14369524-A-G.
Identifiers: ClinVar variation 744942 (VCV000744942.22), dbSNP rs139527871, ClinGen allele CA3206092.